The following is an entry in ClinVar:

NM_138576.4(BCL11B):c.1465G>A (p.Asp489Asn)

Gene: BCL11B (BCL11 transcription factor B; minus strand). Cytogenetic location: 14q32.2.
Variant type: single nucleotide variant.
Coding change: c.1465G>A on transcript NM_138576.4 (MANE Select); coding-DNA position 1465, G replaced by A.
Protein change: p.Asp489Asn; replaces aspartic acid 489 with asparagine.
Molecular consequence: missense variant.
Genome position (GRCh38, 1-based): chr14:99,175,371, C>T on the plus strand (G>A on the coding strand, the complement: BCL11B is on the minus strand). VCF-style: chr14-99175371-C-T. GRCh37 (hg19) VCF-style: chr14-99641708-C-T.
Other names: c.1462G>A, p.Asp488Asn (NM_001282237.2); c.1249G>A, p.Asp417Asn (NM_001282238.2); c.1252G>A, p.Asp418Asn (NM_022898.3); short protein forms D417N, D418N, D488N, D489N.
Identifiers: ClinVar variation 2628456 (VCV002628456.1), dbSNP rs944937462, ClinGen allele CA266105624.
Genomic context (GRCh38, chr14:99,175,371, plus strand): 5'-CCTCGCCCGCCAGCTCGCTGGTGCCGGGCTCGGGGGAGCTGGCGGCCGAGAGCCCGTCGT[C>T]GGAGCGGCCGGCCAGCGAGCCGGCCTTGTGCATGTGCGTCTTCATGTGGCGCTTGAGCTT-3'
Protein context (NP_612808.1, residues 479-499): HKAGSLAGRS[Asp489Asn]DGLSAASSPE

ClinVar aggregate classification (germline): Uncertain significance (1 of 4 stars; one submission).

Conditions:
BCL11B-related disorder. Also called: BCL11B-Related Disorders.

Allele frequency attached by ClinVar (database versions not stated): gnomAD exomes below 0.00001; TOPMed below 0.00001; gnomAD 0.00001.
gnomAD v4.1: 5 of 1,583,336 alleles (0.00032%); highest among the groups gnomAD compares: African/African-American, 0.0014%; no homozygotes.

Submission:

PreventionGenetics, part of Exact Sciences
Classification: Uncertain significance for BCL11B-related condition. Last evaluated: 2022-10-05. Review status: criteria provided, single submitter. Criteria: ACMG Guidelines, 2015. Collection method: clinical testing. Allele origin: germline.
Comment: The BCL11B c.1252G>A variant is predicted to result in the amino acid substitution p.Asp418Asn. To our knowledge, this variant has not been reported in the literature. This variant is reported in 0.011% of alleles in individuals of Ashkenazi Jewish descent in gnomAD. At this time, the clinical significance of this variant is uncertain due to the absence of conclusive functional and genetic evidence.